The following is an entry in ClinVar:

NM_002350.4(LYN):c.1353C>A (p.Asp451Glu)

Gene: LYN (LYN proto-oncogene, Src family tyrosine kinase; plus strand). Cytogenetic location: 8q12.1.
Variant type: single nucleotide variant.
Coding change: c.1353C>A on transcript NM_002350.4 (MANE Select); coding-DNA position 1353, C replaced by A.
Protein change: p.Asp451Glu; replaces aspartic acid 451 with glutamic acid.
Molecular consequence: missense variant.
Genome position (GRCh38, 1-based): chr8:56,009,924, C>A. VCF-style: chr8-56009924-C-A. GRCh37 (hg19) VCF-style: chr8-56922483-C-A.
Other names: c.1290C>A, p.Asp430Glu (NM_001111097.3); short protein forms D451E, D430E.
Identifiers: ClinVar variation 1498630 (VCV001498630.7), dbSNP rs777296861, ClinGen allele CA4754250.
Genomic context (GRCh38, chr8:56,009,924, plus strand): 5'-TAAACGGCATGGGTTTCTGTTCTTTTTGTTTTTTTCCACCCTAGGGAGAACTAATGCCGA[C>A]GTGATGACCGCCCTGTCCCAGGGCTACAGGATGCCCCGTGTGGAGAACTGCCCAGATGAG-3'
Protein context (NP_002341.1, residues 441-461): KIPYPGRTNA[Asp451Glu]VMTALSQGYR

ClinVar aggregate classification (germline): Uncertain significance (1 of 4 stars; one submission).

Allele frequency attached by ClinVar (database versions not stated): gnomAD 0.00001; TOPMed 0.00001.
gnomAD v4.1: 46 of 1,613,744 alleles (0.0029%); highest among the groups gnomAD compares: Non-Finnish European, 0.0039%; no homozygotes.

Submission:

Labcorp Genetics (formerly Invitae), Labcorp
Classification: Uncertain significance. Last evaluated: 2025-10-21. Review status: criteria provided, single submitter. Criteria: Invitae Variant Classification Sherloc (09022015). Collection method: clinical testing. Allele origin: germline.
Comment: This sequence change replaces aspartic acid, which is acidic and polar, with glutamic acid, which is acidic and polar, at codon 451 of the LYN protein (p.Asp451Glu). This variant is present in population databases (rs777296861, gnomAD 0.003%). This variant has not been reported in the literature in individuals affected with LYN-related conditions. ClinVar contains an entry for this variant (Variation ID: 1498630). An algorithm developed to predict the effect of missense changes on protein structure and function outputs the following: PolyPhen-2: "Benign". The glutamic acid amino acid residue is found in multiple mammalian species, which suggests that this missense change does not adversely affect protein function. In summary, the available evidence is currently insufficient to determine the role of this variant in disease. Therefore, it has been classified as a Variant of Uncertain Significance.